The following is an entry in ClinVar:

ClinVar aggregate classification (germline): Uncertain significance (1 of 4 stars; one submission).

Conditions:
CHD7-related disorder. Also called: CHD7-related condition.

Submission:

PreventionGenetics, part of Exact Sciences
Classification: Uncertain significance for CHD7-related condition. Last evaluated: 2026-04-07. Review status: criteria provided, single submitter. Criteria: ACMG Guidelines, 2015. Collection method: clinical testing. Allele origin: germline.
Comment: The CHD7 c.7480A>T variant is predicted to result in the amino acid substitution p.Thr2494Ser. To our knowledge, this variant has not been reported in the literature or in a large population database (gnomAD), indicating this variant is rare. At this time, the clinical significance of this variant is uncertain due to the absence of conclusive functional and genetic evidence.

NM_017780.4(CHD7):c.7480A>T (p.Thr2494Ser)

Gene: CHD7 (chromodomain helicase DNA binding protein 7; plus strand). Cytogenetic location: 8q12.2.
Variant type: single nucleotide variant.
Coding change: c.7480A>T on transcript NM_017780.4 (MANE Select); coding-DNA position 7480, A replaced by T.
Protein change: p.Thr2494Ser; replaces threonine 2494 with serine.
Molecular consequence: missense variant. On other transcripts: intron variant (1).
Genome position (GRCh38, 1-based): chr8:60,856,760, A>T. VCF-style: chr8-60856760-A-T. GRCh37 (hg19) VCF-style: chr8-61769319-A-T.
Other names: c.1717-5469A>T (NM_001316690.1); short protein forms T2494S.
Identifiers: ClinVar variation 4984215 (VCV004984215.1).